The following is an entry in ClinVar:

ClinVar aggregate classification (germline): Pathogenic (1 of 4 stars; one submission).

Conditions:
Duchenne muscular dystrophy (DMD). Also called: MUSCULAR DYSTROPHY, PSEUDOHYPERTROPHIC PROGRESSIVE, DUCHENNE TYPE; Duchenne Muscular Dystrophy (DMD). Identifiers: Orphanet 98896, MedGen C0013264, MONDO:0010679, OMIM 310200.

Submission:

Laboratory of Medical Genetics, National & Kapodistrian University of Athens
Classification: Pathogenic for Duchenne muscular dystrophy. Last evaluated: 2022-12-16. Review status: criteria provided, single submitter. Criteria: ACMG Guidelines, 2015. Collection method: clinical testing. Allele origin: germline. Affected: yes.
Comment: PVS1, PM2, PP5

Literature cited by the submitters: PubMed 17041906.

NM_004006.3(DMD):c.1726del (p.Ser576fs)

Gene: DMD (dystrophin; minus strand). Cytogenetic location: Xp21.1.
Variant type: Deletion.
Coding change: c.1726del on transcript NM_004006.3 (MANE Select); coding-DNA position 1726, one base deleted (T; older notation c.1726delT).
Protein change: p.Ser576fs; shifts the reading frame from serine 576.
Molecular consequence: frameshift variant.
Genome position (GRCh38, 1-based): chrX:32,573,616, A deleted on the plus strand (T on the coding strand, the reverse complement: DMD is on the minus strand); the first of 3 consecutive A bases (chrX:32,573,616-32,573,618); deleting any one gives the same sequence. VCF-style (leftmost placement, unchanged base first): chrX-32573615-GA-G. GRCh37 (hg19) VCF-style: chrX-32591732-GA-G.
Other names: c.1702del, p.Ser568fs (NM_000109.4); c.1714del, p.Ser572fs (NM_004009.3); c.1357del, p.Ser453fs (NM_004010.3); short protein forms S453fs, S568fs, S572fs, S576fs.
Identifiers: ClinVar variation 1806406 (VCV001806406.1), dbSNP rs2526751018, ClinGen allele CA2580100755.